The following is an entry in ClinVar:

NM_014254.3(RXYLT1):c.649A>G (p.Arg217Gly)

Gene: RXYLT1 (ribitol xylosyltransferase 1; plus strand). Cytogenetic location: 12q14.2.
Variant type: single nucleotide variant.
Coding change: c.649A>G on transcript NM_014254.3 (MANE Select); coding-DNA position 649, A replaced by G.
Protein change: p.Arg217Gly; replaces arginine 217 with glycine.
Molecular consequence: missense variant. On other transcripts: 5 prime UTR variant (1).
Genome position (GRCh38, 1-based): chr12:63,802,311, A>G. VCF-style: chr12-63802311-A-G. GRCh37 (hg19) VCF-style: chr12-64196091-A-G.
Other names: c.-132A>G (NM_001278237.2); short protein forms R217G.
Identifiers: ClinVar variation 2158009 (VCV002158009.4), dbSNP rs2500520075, ClinGen allele CA385658102.

ClinVar aggregate classification (germline): Uncertain significance (1 of 4 stars; one submission).

Allele frequency attached by ClinVar (database versions not stated): gnomAD exomes below 0.00001.
gnomAD v4.1: 1 of 1,613,292 alleles (0.000062%); highest among the groups gnomAD compares: Non-Finnish European, 0.000085%; no homozygotes.

Submission:

Labcorp Genetics (formerly Invitae), Labcorp
Classification: Uncertain significance. Last evaluated: 2022-08-01. Review status: criteria provided, single submitter. Criteria: Invitae Variant Classification Sherloc (09022015). Collection method: clinical testing. Allele origin: germline.
Comment: This variant has not been reported in the literature in individuals affected with RXYLT1-related conditions. This variant is not present in population databases (gnomAD no frequency). This sequence change replaces arginine, which is basic and polar, with glycine, which is neutral and non-polar, at codon 217 of the RXYLT1 protein (p.Arg217Gly). In summary, the available evidence is currently insufficient to determine the role of this variant in disease. Therefore, it has been classified as a Variant of Uncertain Significance. Algorithms developed to predict the effect of missense changes on protein structure and function are either unavailable or do not agree on the potential impact of this missense change (SIFT: "Deleterious"; PolyPhen-2: "Benign"; Align-GVGD: "Class C45").